The following is an entry in ClinVar:

NM_000211.5(ITGB2):c.563G>A (p.Arg188Gln)

Gene: ITGB2 (integrin subunit beta 2; minus strand). Cytogenetic location: 21q22.3.
Variant type: single nucleotide variant.
Coding change: c.563G>A on transcript NM_000211.5 (MANE Select); coding-DNA position 563, G replaced by A.
Protein change: p.Arg188Gln; replaces arginine 188 with glutamine.
Molecular consequence: missense variant.
Genome position (GRCh38, 1-based): chr21:44,901,670, C>T on the plus strand (G>A on the coding strand, the complement: ITGB2 is on the minus strand). VCF-style: chr21-44901670-C-T. GRCh37 (hg19) VCF-style: chr21-46321585-C-T.
Other names: c.563G>A, p.Arg188Gln (NM_001127491.3); c.356G>A, p.Arg119Gln (NM_001303238.2); short protein forms R119Q, R188Q.
Identifiers: ClinVar variation 1439285 (VCV001439285.6), dbSNP rs1053155608, ClinGen allele CA321851428.
Genomic context (GRCh38, chr21:44,901,670, plus strand): 5'-AGCACGTGCCTGAAGGCAAACGGGGGCTGGCACTCTTTCTCCTTGTTGGGGCATGGGTTT[C>T]GCAGCTTATCAGGGTGCGTGTTCACGAACGGCAGCACGGTCTTGTCCACGAAGGACCCGA-3'
Protein context (NP_000202.3, residues 178-198): PFVNTHPDKL[Arg188Gln]NPCPNKEKEC

ClinVar aggregate classification (germline): Uncertain significance (1 of 4 stars; one submission).

Conditions:
Leukocyte adhesion deficiency 1 (LAD1). Also called: LEUKOCYTE ADHESION DEFICIENCY, TYPE I; LAD 1; Lymphocyte function-associated antigen 1 immunodeficiency; LFA 1 immunodeficiency. Identifiers: Orphanet 2968, Orphanet 99842, MedGen C0398738, MONDO:0007293, OMIM 116920.

Allele frequency attached by ClinVar (database versions not stated): gnomAD exomes 0.00001; gnomAD 0.00002 and 0.00003; TOPMed 0.00002.

Submission:

Labcorp Genetics (formerly Invitae), Labcorp
Classification: Uncertain significance for Leukocyte adhesion deficiency 1. Last evaluated: 2022-02-10. Review status: criteria provided, single submitter. Criteria: Invitae Variant Classification Sherloc (09022015). Collection method: clinical testing. Allele origin: germline.
Comment: In summary, the available evidence is currently insufficient to determine the role of this variant in disease. Therefore, it has been classified as a Variant of Uncertain Significance. Algorithms developed to predict the effect of missense changes on protein structure and function output the following: SIFT: "Deleterious"; PolyPhen-2: "Benign"; Align-GVGD: "Class C0". The glutamine amino acid residue is found in multiple mammalian species, which suggests that this missense change does not adversely affect protein function. This variant has not been reported in the literature in individuals affected with ITGB2-related conditions. This variant is present in population databases (no rsID available, gnomAD 0.002%). This sequence change replaces arginine, which is basic and polar, with glutamine, which is neutral and polar, at codon 188 of the ITGB2 protein (p.Arg188Gln).